The following is an entry in ClinVar:

NM_000260.4(MYO7A):c.5260C>T (p.Gln1754Ter)

Gene: MYO7A (myosin VIIA; plus strand). Cytogenetic location: 11q13.5.
Variant type: single nucleotide variant.
Coding change: c.5260C>T on transcript NM_000260.4 (MANE Select); coding-DNA position 5260, C replaced by T.
Protein change: p.Gln1754Ter; replaces glutamine 1754 with a stop codon.
Molecular consequence: nonsense.
Genome position (GRCh38, 1-based): chr11:77,203,151, C>T. VCF-style: chr11-77203151-C-T. GRCh37 (hg19) VCF-style: chr11-76914196-C-T.
Other names: c.5146C>T, p.Gln1716Ter (NM_001127180.2); c.5113C>T, p.Gln1705Ter (NM_001369365.1); short protein forms Q1705*, Q1716*, Q1754*.
Identifiers: ClinVar variation 2845671 (VCV002845671.4), dbSNP rs2497664685, ClinGen allele CA381952290.
Genomic context (GRCh38, chr11:77,203,151, plus strand): 5'-ATGGTGTCCAAGGCCCGAGGCAAGGACCGGCTGTGGAGCCACACGCGGGAACCGCTCAAG[C>T]AGGCGCTGCTCAAGAAGCTCCTGGGCAGTGAGGAGCTCTCGCAGGAGGCCTGCCTGGCCT-3'

ClinVar aggregate classification (germline): Pathogenic. Review status: criteria provided, multiple submitters, no conflicts (2 of 4 stars). 2 submissions from 2 submitters: Pathogenic (2). Last evaluated 2025-01-21.

Conditions:
Autosomal recessive nonsyndromic hearing loss 2. Also called: DEAFNESS, AUTOSOMAL RECESSIVE 2; NEUROSENSORY NONSYNDROMIC RECESSIVE DEAFNESS 2. Identifiers: Orphanet 90636, MedGen C1838701, MONDO:0010807, OMIM 600060.
Usher syndrome type 1 (USH1). Also called: RETINITIS PIGMENTOSA AND CONGENITAL DEAFNESS. Identifiers: Orphanet 231169, Orphanet 886, MedGen C1568247, MONDO:0010168, OMIM 276900.
Autosomal dominant nonsyndromic hearing loss 11. Identifiers: Orphanet 90635, MedGen C1832475, MONDO:0011032, OMIM 601317.

Allele frequency attached by ClinVar (database versions not stated): gnomAD exomes below 0.00001.

Submissions (2):

Labcorp Genetics (formerly Invitae), Labcorp
Classification: Pathogenic. Last evaluated: 2025-01-21. Review status: criteria provided, single submitter. Criteria: Invitae Variant Classification Sherloc (09022015). Collection method: clinical testing. Allele origin: germline.
Comment: This sequence change creates a premature translational stop signal (p.Gln1754*) in the MYO7A gene. It is expected to result in an absent or disrupted protein product. Loss-of-function variants in MYO7A are known to be pathogenic (PMID: 8900236, 25404053). This variant is not present in population databases (gnomAD no frequency). This premature translational stop signal has been observed in individual(s) with inherited retinal disease (PMID: 38219857). ClinVar contains an entry for this variant (Variation ID: 2845671). For these reasons, this variant has been classified as Pathogenic.

Fulgent Genetics
Classification: Pathogenic for Usher syndrome type 1; Autosomal recessive nonsyndromic hearing loss 2; Autosomal dominant nonsyndromic hearing loss 11. Last evaluated: 2024-06-12. Review status: criteria provided, single submitter. Criteria: ACMG Guidelines, 2015. Collection method: clinical testing. Allele origin: germline.

Literature cited by the submitters: PubMed 8900236 (cited by Labcorp Genetics (formerly Invitae), Labcorp); PubMed 25404053 (cited by Labcorp Genetics (formerly Invitae), Labcorp); PubMed 38219857 (cited by Labcorp Genetics (formerly Invitae), Labcorp).